The following is an entry in ClinVar:

NM_001715.3(BLK):c.1291T>C (p.Tyr431His)

Gene: BLK (BLK proto-oncogene, Src family tyrosine kinase). Cytogenetic location: 8p23.1.
Variant type: single nucleotide variant.
Coding change: c.1291T>C on transcript NM_001715.3 (MANE Select); coding-DNA position 1291, T replaced by C.
Protein change: p.Tyr431His; replaces tyrosine 431 with histidine.
Molecular consequence: missense variant.
Genome position (GRCh38, 1-based): chr8:11,563,089, T>C. VCF-style: chr8-11563089-T-C. GRCh37 (hg19) VCF-style: chr8-11420598-T-C.
Other names: c.1078T>C, p.Tyr360His (NM_001330465.2); short protein forms Y360H, Y431H.
Identifiers: ClinVar variation 1307180 (VCV001307180.2), dbSNP rs2117608096, ClinGen allele CA370316465.

ClinVar aggregate classification (germline): Uncertain significance (1 of 4 stars; one submission).

Submission:

GeneDx
Classification: Uncertain significance. Last evaluated: 2020-08-24. Review status: criteria provided, single submitter. Criteria: GeneDx Variant Classification Process June 2021. Collection method: clinical testing. Allele origin: germline. Affected: yes.
Comment: Not observed in large population cohorts (Lek et al., 2016); In silico analysis, which includes protein predictors and evolutionary conservation, supports that this variant does not alter protein structure/function; Has not been previously published as pathogenic or benign to our knowledge